The following is an entry in ClinVar:

NM_144499.3(GNAT1):c.718C>T (p.His240Tyr)

Gene: GNAT1 (G protein subunit alpha transducin 1; plus strand). Cytogenetic location: 3p21.31.
Variant type: single nucleotide variant.
Coding change: c.718C>T on transcript NM_144499.3 (MANE Select); coding-DNA position 718, C replaced by T.
Protein change: p.His240Tyr; replaces histidine 240 with tyrosine.
Molecular consequence: missense variant.
Genome position (GRCh38, 1-based): chr3:50,194,510, C>T. VCF-style: chr3-50194510-C-T. GRCh37 (hg19) VCF-style: chr3-50231943-C-T.
Other names: c.718C>T (NM_144499.2); c.718C>T, p.His240Tyr (NM_000172.4); short protein forms H240Y.
Identifiers: ClinVar variation 1942793 (VCV001942793.7), dbSNP rs373605188, ClinGen allele CA2412703.
Genomic context (GRCh38, chr3:50,194,510, plus strand): 5'-GCTGCGGGTCGGACGCTACCCCGGGTGCCCAACAGCTGCTGCCCTCCTCAGAACCGCATG[C>T]ACGAGAGCCTGCACCTGTTCAACAGCATCTGCAACCACCGCTACTTCGCCACGACGTCCA-3'
Protein context (NP_653082.1, residues 230-250): LVEDDEVNRM[His240Tyr]ESLHLFNSIC

ClinVar aggregate classification (germline): Uncertain significance. Review status: criteria provided, multiple submitters, no conflicts (2 of 4 stars). 3 submissions from 3 submitters: Uncertain significance (3). Last evaluated 2025-05-28.

Conditions:
Inborn genetic diseases. Identifiers: MedGen C0950123, MeSH D030342.

Allele frequency attached by ClinVar (database versions not stated): ExAC 0.00001; gnomAD 0.00001; TOPMed 0.00003; gnomAD exomes 0.00007; ESP Exome Variant Server 0.00008.
gnomAD v4.1: 100 of 1,613,286 alleles (0.0062%); highest among the groups gnomAD compares: Non-Finnish European, 0.0084%; no homozygotes.

Submissions (3):

Ambry Genetics
Classification: Uncertain significance for Inborn genetic diseases. Last evaluated: 2025-05-28. Review status: criteria provided, single submitter. Criteria: Ambry Variant Classification Scheme 2023. Collection method: clinical testing. Allele origin: germline.

Labcorp Genetics (formerly Invitae), Labcorp
Classification: Uncertain significance. Last evaluated: 2024-08-19. Review status: criteria provided, single submitter. Criteria: Invitae Variant Classification Sherloc (09022015). Collection method: clinical testing. Allele origin: germline.
Comment: This sequence change replaces histidine, which is basic and polar, with tyrosine, which is neutral and polar, at codon 240 of the GNAT1 protein (p.His240Tyr). This variant is present in population databases (rs373605188, gnomAD 0.006%). This variant has not been reported in the literature in individuals affected with GNAT1-related conditions. ClinVar contains an entry for this variant (Variation ID: 1942793). Invitae Evidence Modeling of protein sequence and biophysical properties (such as structural, functional, and spatial information, amino acid conservation, physicochemical variation, residue mobility, and thermodynamic stability) indicates that this missense variant is not expected to disrupt GNAT1 protein function with a negative predictive value of 80%. In summary, the available evidence is currently insufficient to determine the role of this variant in disease. Therefore, it has been classified as a Variant of Uncertain Significance.

Blueprint Genetics
Classification: Uncertain significance. Last evaluated: 2023-11-14. Review status: criteria provided, single submitter. Criteria: ACMG Guidelines, 2015. Collection method: clinical testing. Allele origin: germline.